The following is an entry in ClinVar:

ClinVar aggregate classification (germline): Uncertain significance (1 of 4 stars; one submission).

Allele frequency attached by ClinVar (database versions not stated): gnomAD exomes below 0.00001; TOPMed 0.00001.
gnomAD v4.1: 2 of 1,612,180 alleles (0.00012%); highest among the groups gnomAD compares: Non-Finnish European, 0.00017%; no homozygotes.

Submission:

Labcorp Genetics (formerly Invitae), Labcorp
Classification: Uncertain significance. Last evaluated: 2022-07-26. Review status: criteria provided, single submitter. Criteria: Invitae Variant Classification Sherloc (09022015). Collection method: clinical testing. Allele origin: germline.
Comment: This variant has not been reported in the literature in individuals affected with ACO2-related conditions. This variant is not present in population databases (gnomAD no frequency). This sequence change replaces lysine, which is basic and polar, with arginine, which is basic and polar, at codon 461 of the ACO2 protein (p.Lys461Arg). ClinVar contains an entry for this variant (Variation ID: 1483156). In summary, the available evidence is currently insufficient to determine the role of this variant in disease. Therefore, it has been classified as a Variant of Uncertain Significance. Advanced modeling of protein sequence and biophysical properties (such as structural, functional, and spatial information, amino acid conservation, physicochemical variation, residue mobility, and thermodynamic stability) performed at Invitae indicates that this missense variant is expected to disrupt ACO2 protein function.

NM_001098.3(ACO2):c.1382A>G (p.Lys461Arg)

Gene: ACO2 (aconitase 2; plus strand). Cytogenetic location: 22q13.2.
Variant type: single nucleotide variant.
Coding change: c.1382A>G on transcript NM_001098.3 (MANE Select); coding-DNA position 1382, A replaced by G.
Protein change: p.Lys461Arg; replaces lysine 461 with arginine.
Molecular consequence: missense variant.
Genome position (GRCh38, 1-based): chr22:41,523,841, A>G. VCF-style: chr22-41523841-A-G. GRCh37 (hg19) VCF-style: chr22-41919845-A-G.
Other names: short protein forms K461R.
Identifiers: ClinVar variation 1483156 (VCV001483156.6), dbSNP rs1191366420, ClinGen allele CA411726734.
Genomic context (GRCh38, chr22:41,523,841, plus strand): 5'-CAGGTGACAAGGCCAGATATCCCTAACCCTGATCCCTCTGACCTGGCAGGAAGGACATCA[A>G]GAAGGGGGAGAAGAACACAATCGTCACCTCCTACAACAGGAACTTCACGGGCCGCAACGA-3'
Protein context (NP_001089.1, residues 451-471): CIGQWDRKDI[Lys461Arg]KGEKNTIVTS